The following is an entry in ClinVar:

ClinVar aggregate classification (germline): Pathogenic. Review status: criteria provided, multiple submitters, no conflicts (2 of 4 stars). 3 submissions from 3 submitters: Pathogenic (3). Last evaluated 2025-12-21.

Conditions:
Neuronal ceroid lipofuscinosis. Also called: Neuronal Ceroid Lipofuscinoses. Identifiers: Orphanet 216, Orphanet 79263, MedGen C0027877, MONDO:0016295. Disease mechanism: loss of function.

Allele frequency attached by ClinVar (database versions not stated): gnomAD exomes below 0.00001; TOPMed 0.00001.
gnomAD v4.1: 5 of 1,614,120 alleles (0.00031%); highest among the groups gnomAD compares: Non-Finnish European, 0.00042%; no homozygotes.

Submissions (3):

Labcorp Genetics (formerly Invitae), Labcorp
Classification: Pathogenic. Last evaluated: 2025-12-21. Review status: criteria provided, single submitter. Criteria: Invitae Variant Classification Sherloc (09022015). Collection method: clinical testing. Allele origin: germline.
Comment: This sequence change falls in intron 2 of the TPP1 gene. It does not directly change the encoded amino acid sequence of the TPP1 protein. It affects a nucleotide within the consensus splice site. This variant is present in population databases (no rsID available, gnomAD 0.0009%). This variant has been observed in individual(s) with neuronal ceroid lipofuscinosis (PMID: 23266810; internal data). In at least one individual the data is consistent with being in trans (on the opposite chromosome) from a pathogenic variant. It has also been observed to segregate with disease in related individuals. ClinVar contains an entry for this variant (Variation ID: 207599). Variants that disrupt the consensus splice site are a relatively common cause of aberrant splicing (PMID: 17576681, 9536098). Algorithms developed to predict the effect of sequence changes on RNA splicing suggest that this variant may disrupt the consensus splice site. For these reasons, this variant has been classified as Pathogenic.

Women's Health and Genetics/Laboratory Corporation of America, LabCorp
Classification: Pathogenic for Neuronal ceroid lipofuscinosis. Last evaluated: 2023-05-18. Review status: criteria provided, single submitter. Criteria: LabCorp Variant Classification Summary - May 2015. Collection method: clinical testing. Allele origin: germline.
Comment: Variant summary: TPP1 c.89+5G>C alters a conserved nucleotide located close to a canonical splice site and therefore could affect mRNA splicing, leading to a significantly altered protein sequence. Several computational tools predict a significant impact on normal splicing: Three predict the variant abolishes a canonical 5' splicing donor site, and one predicts the variant weakens the same canonical 5' donor site. However, these predictions have yet to be confirmed by functional studies. The variant allele was found at a frequency of 4e-06 in 251246 control chromosomes (gnomAD). c.89+5G>C has been reported in the literature as a biallelic genotype in multiple individuals affected with Neuronal Ceroid-Lipofuscinosis (e.g. Kousi_2012, Kohan_2013, Nickel_2018). These data indicate that the variant is very likely to be associated with disease. To our knowledge, no experimental evidence demonstrating an impact on protein function has been reported. The following publications have been ascertained in the context of this evaluation (PMID: 23266810, 21990111, 29655203, 30119717, 31440721). One ClinVar submitter has assessed the variant since 2014: the variant was classified as pathogenic. Based on the evidence outlined above, the variant was classified as pathogenic.

GeneDx
Classification: Pathogenic. Last evaluated: 2013-06-27. Review status: criteria provided, single submitter. Criteria: GeneDx Variant Classification (06012015). Collection method: clinical testing. Allele origin: germline. Affected: yes.
Comment: c.89+5 G>C: IVS2+5 G>C in intron 2 of the TPP1 gene (NM_000391.3)The c.89+5 G>C substitution has not been published as a mutation, nor has it been reported as a benign polymorphism to our knowledge. Multiple in silico splice prediction models indicate that this mutation destroys the normal splice donor site in intron 2, causing abnormal gene splicing. Therefore, c.89+5 G>C is considered a disease-causing mutation. The variant is found in EPILEPSY panel(s).

Literature cited by the submitters: PubMed 23266810 (cited by Labcorp Genetics (formerly Invitae), Labcorp and Women's Health and Genetics/Laboratory Corporation of America, LabCorp); PubMed 17576681 (cited by Labcorp Genetics (formerly Invitae), Labcorp); PubMed 9536098 (cited by Labcorp Genetics (formerly Invitae), Labcorp); PubMed 21990111 (cited by Women's Health and Genetics/Laboratory Corporation of America, LabCorp); PubMed 30119717 (cited by Women's Health and Genetics/Laboratory Corporation of America, LabCorp); PubMed 29655203 (cited by Women's Health and Genetics/Laboratory Corporation of America, LabCorp); PubMed 31440721 (cited by Women's Health and Genetics/Laboratory Corporation of America, LabCorp).

NM_000391.4(TPP1):c.89+5G>C

Genes: TPP1 (tripeptidyl peptidase 1; minus strand), LOC130005207 (ATAC-STARR-seq lymphoblastoid silent region 3107; plus strand). Cytogenetic location: 11p15.4.
Variant type: single nucleotide variant.
Coding change: c.89+5G>C on transcript NM_000391.4 (MANE Select); 5 bases into the intron after coding-DNA position 89, G replaced by C.
Molecular consequence: intron variant.
Genome position (GRCh38, 1-based): chr11:6,619,191, C>G on the plus strand (G>C on the coding strand, the complement: TPP1 is on the minus strand). VCF-style: chr11-6619191-C-G. GRCh37 (hg19) VCF-style: chr11-6640422-C-G.
Identifiers: ClinVar variation 207599 (VCV000207599.13), dbSNP rs746085696, ClinGen allele CA319224.